The following is an entry in ClinVar:

GRCh37/hg19 21q22.13(chr21:38721309-38803816)x1

Gene: DYRK1A (dual specificity tyrosine phosphorylation regulated kinase 1A; plus strand). Cytogenetic location: 21q22.13.
Variant type: copy number loss.
Change: copy number 1 (one copy instead of two) of chr21:38,721,309-38,803,816 (82.5 kb, GRCh37 coordinates, 1-based), cytogenetic band 21q22.13.
Identifiers: ClinVar variation 1340074 (VCV001340074.1).

ClinVar aggregate classification (germline): Pathogenic (0 of 4 stars; one submission).

Submission:

Quest Diagnostics Nichols Institute San Juan Capistrano
Classification: Pathogenic. Last evaluated: 2021-03-01. Review status: no assertion criteria provided. Collection method: clinical testing. Allele origin: germline.
Comment: This imbalance is expected to cause phenotypic and/or developmental abnormalities. This loss includes, minimally, the first exon of each transcript variant of the DYRK1A gene. The DYRK1A gene is located in the Down Syndrome critical region. Disruption of this gene has been associated with autosomal dominant mental retardation-7 (MRD7; OMIM #614104). Heterozygous de novo frameshift and splice site mutations have been reported in patients with severe intellectual disability and autism [O'Roak et al., Science 2012 338:1619-1622. PMID: 23160955].